The following is an entry in ClinVar:

ClinVar aggregate classification (germline): Pathogenic (1 of 4 stars; one submission).

Conditions:
Aortic aneurysm, familial thoracic 4 (AAT4). Also called: AORTIC ANEURYSM/AORTIC DISSECTION AND PATENT DUCTUS ARTERIOSUS. Identifiers: MedGen C1851504, MONDO:0007568, OMIM 132900.

Submission:

Labcorp Genetics (formerly Invitae), Labcorp
Classification: Pathogenic for Aortic aneurysm, familial thoracic 4. Last evaluated: 2025-12-08. Review status: criteria provided, single submitter. Criteria: Invitae Variant Classification Sherloc (09022015). Collection method: clinical testing. Allele origin: germline.
Comment: This sequence change affects a donor splice site in intron 33 of the MYH11 gene. RNA analysis indicates that disruption of this splice site induces altered splicing and likely results in a shortened protein product. This variant is not present in population databases (gnomAD no frequency). Disruption of this splice site has been observed in individuals with thoracic aortic aneurysm and dissection (PMID: 16444274, 21937134; internal data). It has also been observed to segregate with disease in related individuals. ClinVar contains an entry for this variant (Variation ID: 242663). Studies have shown that disruption of this splice site results in skipping of exon 33, but is expected to preserve the integrity of the reading-frame (PMID: 16444274). For these reasons, this variant has been classified as Pathogenic.

Literature cited by the submitters: PubMed 16444274; PubMed 21937134.

NM_002474.3(MYH11):c.4578+1G>T

Genes: MYH11 (myosin heavy chain 11; minus strand), NDE1 (nudE neurodevelopment protein 1; plus strand). Cytogenetic location: 16p13.11.
Variant type: single nucleotide variant.
Coding change: c.4578+1G>T on transcript NM_002474.3 (MANE Select); the canonical splice donor site of the intron after coding-DNA position 4578, G replaced by T.
Molecular consequence: splice donor variant. On other transcripts: intron variant (2).
Genome position (GRCh38, 1-based): chr16:15,721,421, C>A on the plus strand (G>T on the coding strand, the complement: MYH11 is on the minus strand). VCF-style: chr16-15721421-C-A. GRCh37 (hg19) VCF-style: chr16-15815278-C-A.
Other names: c.948-2770C>A (NM_001143979.2, NM_017668.3); c.4578+1G>T (NM_022844.3); c.4599+1G>T (NM_001040114.2, NM_001040113.2).
Identifiers: ClinVar variation 242663 (VCV000242663.7), dbSNP rs397514037, ClinGen allele CA084146.